The following is an entry in ClinVar:

ClinVar aggregate classification (germline): Uncertain significance (1 of 4 stars; one submission).

Conditions:
Generalized epilepsy with febrile seizures plus, type 7 (GEFSP7). Also called: GEFS+, TYPE 7. Identifiers: Orphanet 36387, MedGen C2751778, MONDO:0013470, OMIM 613863.
Neuropathy, hereditary sensory and autonomic, type 2A (HSAN2A). Also called: HSAN IIA; WNK1-Related HSAN2 (HSAN2A); MORVAN DISEASE; NEUROPATHY, CONGENITAL SENSORY; NEUROPATHY, HEREDITARY SENSORY RADICULAR, AUTOSOMAL RECESSIVE; NEUROPATHY, HEREDITARY SENSORY, TYPE IIA. Identifiers: Orphanet 970, MedGen C2752089, MONDO:0024309, OMIM 201300.

Allele frequency attached by ClinVar (database versions not stated): gnomAD exomes below 0.00001; gnomAD 0.00001; TOPMed 0.00001.
gnomAD v4.1: 4 of 1,614,034 alleles (0.00025%); highest among the groups gnomAD compares: African/African-American, 0.0013%; no homozygotes.

Submission:

Labcorp Genetics (formerly Invitae), Labcorp
Classification: Uncertain significance for Neuropathy, hereditary sensory and autonomic, type 2A; Generalized epilepsy with febrile seizures plus, type 7. Last evaluated: 2022-07-11. Review status: criteria provided, single submitter. Criteria: Invitae Variant Classification Sherloc (09022015). Collection method: clinical testing. Allele origin: germline.
Comment: This variant has not been reported in the literature in individuals affected with SCN9A-related conditions. In summary, the available evidence is currently insufficient to determine the role of this variant in disease. Therefore, it has been classified as a Variant of Uncertain Significance. Algorithms developed to predict the effect of missense changes on protein structure and function (SIFT, PolyPhen-2, Align-GVGD) all suggest that this variant is likely to be disruptive. ClinVar contains an entry for this variant (Variation ID: 971006). This variant is not present in population databases (gnomAD no frequency). This sequence change replaces glutamic acid, which is acidic and polar, with glutamine, which is neutral and polar, at codon 1773 of the SCN9A protein (p.Glu1773Gln).

NM_001365536.1(SCN9A):c.5350G>C (p.Glu1784Gln)

Genes: SCN9A (sodium voltage-gated channel alpha subunit 9; minus strand), SCN1A-AS1 (SCN1A and SCN9A antisense RNA 1; plus strand). Cytogenetic location: 2q24.3.
Variant type: single nucleotide variant.
Coding change: c.5350G>C on transcript NM_001365536.1 (MANE Select); coding-DNA position 5350, G replaced by C.
Protein change: p.Glu1784Gln; replaces glutamic acid 1784 with glutamine.
Molecular consequence: missense variant.
Genome position (GRCh38, 1-based): chr2:166,199,289, C>G on the plus strand (G>C on the coding strand, the complement: SCN9A is on the minus strand). VCF-style: chr2-166199289-C-G. GRCh37 (hg19) VCF-style: chr2-167055799-C-G.
Other names: c.5317G>C, p.Glu1773Gln (NM_002977.4); short protein forms E1784Q, E1773Q.
Identifiers: ClinVar variation 971006 (VCV000971006.10), dbSNP rs1358961500, ClinGen allele CA349053364.
Genomic context (GRCh38, chr2:166,199,289, plus strand): 5'-CAGAGAGTTTAGAGAACTCTATAAACTGGGTCGCATCGGGATCAAACTTCTCCCAAACCT[C>G]ATAGAACATCTCAAAGTCATCCTCACTCAGAGGTTCAGTACTTTCTTCAGTGGCAACACT-3'
Protein context (NP_001352465.1, residues 1774-1794): LSEDDFEMFY[Glu1784Gln]VWEKFDPDAT